The following is an entry in ClinVar:

NM_001330078.2(NRXN1):c.685C>A (p.Leu229Ile)

Gene: NRXN1 (neurexin 1; minus strand). Cytogenetic location: 2p16.3.
Variant type: single nucleotide variant.
Coding change: c.685C>A on transcript NM_001330078.2 (MANE Select); coding-DNA position 685, C replaced by A.
Protein change: p.Leu229Ile; replaces leucine 229 with isoleucine.
Molecular consequence: missense variant.
Genome position (GRCh38, 1-based): chr2:51,027,589, G>T on the plus strand (C>A on the coding strand, the complement: NRXN1 is on the minus strand). VCF-style: chr2-51027589-G-T. GRCh37 (hg19) VCF-style: chr2-51254727-G-T.
Other names: c.685C>A, p.Leu229Ile (NM_001135659.3, NM_001330077.2, NM_001330079.2 and 15 more transcripts); short protein forms L229I.
Identifiers: ClinVar variation 2430466 (VCV002430466.1), dbSNP rs751232467, ClinGen allele CA1655431.

ClinVar aggregate classification (germline): Uncertain significance (1 of 4 stars; one submission).

Allele frequency attached by ClinVar (database versions not stated): ExAC 0.00001.
gnomAD v4.1: 1 of 1,606,994 alleles (0.000062%); highest among the groups gnomAD compares: South Asian, 0.0011%; no homozygotes.

Submission:

GeneDx
Classification: Uncertain significance. Last evaluated: 2022-08-16. Review status: criteria provided, single submitter. Criteria: GeneDx Variant Classification Process June 2021. Collection method: clinical testing. Allele origin: germline. Affected: yes.
Comment: Not observed at significant frequency in large population cohorts (gnomAD); In silico analysis supports that this missense variant does not alter protein structure/function; Has not been previously published as pathogenic or benign to our knowledge